The following is an entry in ClinVar:

ClinVar aggregate classification (germline): Uncertain significance (1 of 4 stars; one submission).

Conditions:
Pigmentary pallidal degeneration (NBIA1). Also called: PKAN NEUROAXONAL DYSTROPHY, JUVENILE-ONSET; Neurodegeneration with brain iron accumulation 1; HARP SYNDROME; Pantothenate Kinase-Associated Neurodegeneration; Neuroaxonal dystrophy, late infantile; Hallervorden-Spatz disease. Identifiers: Orphanet 157850, MedGen C0018523, MONDO:0009319, OMIM 234200.

Allele frequency attached by ClinVar (database versions not stated): gnomAD 0.00001.
gnomAD v4.1: 1 of 1,614,020 alleles (0.000062%); highest among the groups gnomAD compares: Admixed American, 0.0017%; no homozygotes.

Submission:

Labcorp Genetics (formerly Invitae), Labcorp
Classification: Uncertain significance for Pigmentary pallidal degeneration. Last evaluated: 2022-10-12. Review status: criteria provided, single submitter. Criteria: Invitae Variant Classification Sherloc (09022015). Collection method: clinical testing. Allele origin: germline.
Comment: This sequence change replaces leucine, which is neutral and non-polar, with serine, which is neutral and polar, at codon 342 of the PANK2 protein (p.Leu342Ser). This variant is not present in population databases (gnomAD no frequency). In summary, the available evidence is currently insufficient to determine the role of this variant in disease. Therefore, it has been classified as a Variant of Uncertain Significance. Advanced modeling of protein sequence and biophysical properties (such as structural, functional, and spatial information, amino acid conservation, physicochemical variation, residue mobility, and thermodynamic stability) performed at Invitae indicates that this missense variant is expected to disrupt PANK2 protein function. This variant has not been reported in the literature in individuals affected with PANK2-related conditions.

NM_001386393.1(PANK2):c.695T>C (p.Leu232Ser)

Gene: PANK2 (pantothenate kinase 2; plus strand). Cytogenetic location: 20p13.
Variant type: single nucleotide variant.
Coding change: c.695T>C on transcript NM_001386393.1 (MANE Select); coding-DNA position 695, T replaced by C.
Protein change: p.Leu232Ser; replaces leucine 232 with serine.
Molecular consequence: missense variant. On other transcripts: 5 prime UTR variant (1), non-coding transcript variant (1).
Genome position (GRCh38, 1-based): chr20:3,910,620, T>C. VCF-style: chr20-3910620-T-C. GRCh37 (hg19) VCF-style: chr20-3891267-T-C.
Other names: c.152T>C, p.Leu51Ser (NM_001324191.2, NM_024960.6, NM_153640.4); c.-284T>C (NM_001324193.2); c.1025T>C, p.Leu342Ser (NM_153638.4); short protein forms L232S, L51S, L342S.
Identifiers: ClinVar variation 2140026 (VCV002140026.4), dbSNP rs2090453873, ClinGen allele CA408114596.